The following is an entry in ClinVar:

ClinVar aggregate classification (germline): Uncertain significance. Review status: criteria provided, multiple submitters, no conflicts (2 of 4 stars). 2 submissions from 2 submitters: Uncertain significance (2). Last evaluated 2024-01-02.

Conditions:
Inborn genetic diseases. Identifiers: MedGen C0950123, MeSH D030342.

Submissions (2):

GeneDx
Classification: Uncertain significance. Last evaluated: 2024-01-02. Review status: criteria provided, single submitter. Criteria: GeneDx Variant Classification Process June 2021. Collection method: clinical testing. Allele origin: germline. Affected: yes.
Comment: Not observed at significant frequency in large population cohorts (gnomAD); In silico analysis supports that this missense variant has a deleterious effect on protein structure/function; Has not been previously published as pathogenic or benign to our knowledge; This variant is associated with the following publications: (PMID: 25641508)

Ambry Genetics
Classification: Uncertain significance for Inborn genetic diseases. Last evaluated: 2023-12-14. Review status: criteria provided, single submitter. Criteria: Ambry Variant Classification Scheme 2023. Collection method: clinical testing. Allele origin: germline.
Comment: The c.2414G>A (p.G805D) alteration is located in exon 18 (coding exon 18) of the L1CAM gene. This alteration results from a G to A substitution at nucleotide position 2414, causing the glycine (G) at amino acid position 805 to be replaced by an aspartic acid (D). This variant was not reported in population-based cohorts in the Genome Aggregation Database (gnomAD). This amino acid position is highly conserved in available vertebrate species. This alteration is predicted to be deleterious by in silico analysis. Based on insufficient or conflicting evidence, the clinical significance of this alteration remains unclear.

NM_001278116.2(L1CAM):c.2414G>A (p.Gly805Asp)

Gene: L1CAM (L1 cell adhesion molecule; minus strand). Cytogenetic location: Xq28.
Variant type: single nucleotide variant.
Coding change: c.2414G>A on transcript NM_001278116.2 (MANE Select); coding-DNA position 2414, G replaced by A.
Protein change: p.Gly805Asp; replaces glycine 805 with aspartic acid.
Molecular consequence: missense variant.
Genome position (GRCh38, 1-based): chrX:153,866,666, C>T on the plus strand (G>A on the coding strand, the complement: L1CAM is on the minus strand). VCF-style: chrX-153866666-C-T. GRCh37 (hg19) VCF-style: chrX-153132121-C-T.
Other names: c.2414G>A, p.Gly805Asp (NM_000425.5, NM_024003.3); c.2399G>A, p.Gly800Asp (NM_001143963.2); short protein forms G800D, G805D.
Identifiers: ClinVar variation 3117218 (VCV003117218.2), dbSNP rs2520984129, ClinGen allele CA415118184.